The following is an entry in ClinVar:

NM_000465.4(BARD1):c.1486_1489dup (p.Pro497fs)

Gene: BARD1 (BRCA1 associated RING domain 1; minus strand). Cytogenetic location: 2q35.
Variant type: Duplication.
Coding change: c.1486_1489dup on transcript NM_000465.4 (MANE Select); coding-DNA positions 1486 to 1489, 4 bases duplicated (TCAC; older notation c.1486_1489dupTCAC).
Protein change: p.Pro497fs; shifts the reading frame from proline 497.
Molecular consequence: frameshift variant. On other transcripts: non-coding transcript variant (3), intron variant (3).
Genome position (GRCh38, 1-based): chr2:214,767,561-214,767,564, GTGA duplicated on the plus strand (TCAC on the coding strand, the reverse complement: BARD1 is on the minus strand); duplicating any 4 consecutive bases within chr2:214,767,561-214,767,566 gives the same sequence; the c. name uses the placement nearest the transcript's 3' end. VCF-style (leftmost placement, unchanged base first): chr2-214767560-G-GGTGA. GRCh37 (hg19) VCF-style: chr2-215632284-G-GGTGA.
Other names: c.1429_1432dup, p.Pro478fs (NM_001282543.2); c.159-15009_159-15006dup (NM_001282548.2); c.216-15009_216-15006dup (NM_001282545.2); c.364+24733_364+24736dup (NM_001282549.2); short protein forms P478fs, P497fs.
Identifiers: ClinVar variation 3148730 (VCV003148730.1), dbSNP rs2469443496, ClinGen allele CA2825001073.

ClinVar aggregate classification (germline): Pathogenic (1 of 4 stars; one submission).

Conditions:
Familial cancer of breast. Also called: BREAST CANCER, FAMILIAL; Hereditary breast cancer; hereditary breast carcinoma. Identifiers: Orphanet 227535, MedGen C0346153, MONDO:0016419, OMIM 114480. Disease mechanism: loss of function.

Submission:

Myriad Genetics, Inc.
Classification: Pathogenic for Familial cancer of breast. Last evaluated: 2024-03-29. Review status: criteria provided, single submitter. Criteria: Myriad Autosomal Dominant, Autosomal Recessive and X-Linked Classification Criteria (2023). Collection method: clinical testing. Allele origin: unknown.
Comment: This variant is considered pathogenic. This variant creates a frameshift predicted to result in premature protein truncation.